The following is an entry in ClinVar:

ClinVar aggregate classification (germline): Uncertain significance (1 of 4 stars; one submission).

Submission:

Dasa
Classification: Uncertain significance. Last evaluated: 2025-03-31. Review status: criteria provided, single submitter. Criteria: DASA Assertion Criteria. Collection method: clinical testing. Allele origin: germline.
Comment: NM_002645.4(PIK3C2A):c.2344A>G (p.Arg782Gly) is a missense variant that results in the substitution of arginine with glycine. This variant is absent from population databases. The currently available literature and clinical evidence are not sufficient to establish a definitive association between this variant and the reported condition. Therefore, this variant is classified as a variant of uncertain significance.

NM_002645.4(PIK3C2A):c.2344A>G (p.Arg782Gly)

Gene: PIK3C2A (phosphatidylinositol-4-phosphate 3-kinase catalytic subunit type 2 alpha; minus strand). Cytogenetic location: 11p15.1.
Variant type: single nucleotide variant.
Coding change: c.2344A>G on transcript NM_002645.4 (MANE Select); coding-DNA position 2344, A replaced by G.
Protein change: p.Arg782Gly; replaces arginine 782 with glycine.
Molecular consequence: missense variant. On other transcripts: intron variant (1).
Genome position (GRCh38, 1-based): chr11:17,129,355, T>C on the plus strand (A>G on the coding strand, the complement: PIK3C2A is on the minus strand). VCF-style: chr11-17129355-T-C. GRCh37 (hg19) VCF-style: chr11-17150902-T-C.
Other names: c.2344A>G, p.Arg782Gly (NM_001321378.2); c.1204A>G, p.Arg402Gly (NM_001321380.2); c.2231+2561A>G (NM_001386870.1); short protein forms R402G, R782G.
Identifiers: ClinVar variation 4885622 (VCV004885622.2).